The following is an entry in ClinVar:

ClinVar aggregate classification (germline): Uncertain significance (1 of 4 stars; one submission).

Conditions:
Hereditary cancer-predisposing syndrome. Also called: Neoplastic Syndromes, Hereditary; Tumor predisposition; Hereditary Cancer Syndrome; Hereditary neoplastic syndrome. Identifiers: Orphanet 140162, MedGen C0027672, MeSH D009386, MONDO:0015356.

Submission:

Ambry Genetics
Classification: Uncertain significance for Hereditary cancer-predisposing syndrome. Last evaluated: 2025-11-10. Review status: criteria provided, single submitter. Criteria: Ambry Variant Classification Scheme 2023. Collection method: clinical testing. Allele origin: germline.
Comment: The p.E545G variant (also known as c.1634A>G), located in coding exon 14 of the EGFR gene, results from an A to G substitution at nucleotide position 1634. The glutamic acid at codon 545 is replaced by glycine, an amino acid with similar properties. This amino acid position is well conserved in available vertebrate species. In addition, the in silico prediction for this alteration is inconclusive. Based on the available evidence, the clinical significance of this variant remains unclear.

NM_005228.5(EGFR):c.1634A>G (p.Glu545Gly)

Gene: EGFR (epidermal growth factor receptor; plus strand). Cytogenetic location: 7p11.2.
Variant type: single nucleotide variant.
Coding change: c.1634A>G on transcript NM_005228.5 (MANE Select); coding-DNA position 1634, A replaced by G.
Protein change: p.Glu545Gly; replaces glutamic acid 545 with glycine.
Molecular consequence: missense variant.
Genome position (GRCh38, 1-based): chr7:55,163,735, A>G. VCF-style: chr7-55163735-A-G. GRCh37 (hg19) VCF-style: chr7-55231428-A-G.
Other names: c.1499A>G, p.Glu500Gly (NM_001346897.2, NM_001346899.2); c.1634A>G, p.Glu545Gly (NM_001346898.2, NM_201282.2, NM_201284.2); c.1475A>G, p.Glu492Gly (NM_001346900.2); c.833A>G, p.Glu278Gly (NM_001346941.2); short protein forms E278G, E500G, E492G, E545G.
Identifiers: ClinVar variation 4639488 (VCV004639488.1).